The following is an entry in ClinVar:

NM_000064.4(C3):c.3025G>A (p.Gly1009Ser)

Gene: C3 (complement C3; minus strand). Cytogenetic location: 19p13.3.
Variant type: single nucleotide variant.
Coding change: c.3025G>A on transcript NM_000064.4 (MANE Select); coding-DNA position 3025, G replaced by A.
Protein change: p.Gly1009Ser; replaces glycine 1009 with serine.
Molecular consequence: missense variant.
Genome position (GRCh38, 1-based): chr19:6,694,560, C>T on the plus strand (G>A on the coding strand, the complement: C3 is on the minus strand). VCF-style: chr19-6694560-C-T. GRCh37 (hg19) VCF-style: chr19-6694571-C-T.
Other names: short protein forms G1009S.
Identifiers: ClinVar variation 4280177 (VCV004280177.1).

ClinVar aggregate classification (germline): Uncertain significance (1 of 4 stars; one submission).

Conditions:
Complement component 3 deficiency. Identifiers: Orphanet 280133, MedGen C3151071, MONDO:0013417, OMIM 613779.
C3 glomerulonephritis. Also called: Nephropathy due to CFHR5 Deficiency; C3 GLOMERULOPATHY 3. Identifiers: Orphanet 329931, MedGen C4055342, MONDO:0013892, OMIM 614809.
Atypical hemolytic-uremic syndrome. Identifiers: Orphanet 2134, MedGen C2931788, MONDO:0016244.

Submission:

Genomenon, Inc
Classification: Uncertain significance for Complement component 3 deficiency; C3 glomerulonephritis; Atypical hemolytic-uremic syndrome. Last evaluated: 2025-09-30. Review status: criteria provided, single submitter. Criteria: Genomenon Sequence Variant Interpretation Standards. Collection method: curation. Allele origin: germline. Affected: no.
Comment: C3 p.Gly1009Ser (c.3025G>A) is a missense variant that changes the amino acid at residue 1009 from Glycine to Serine. This variant has been reported in the published literature (PMID:9041627;1577777). It is absent or not present at a significant frequency in gnomAD. In silico models agree that this variant is possibly or probably damaging. In conclusion, we classify C3 p.Gly1009Ser (c.3025G>A) as a variant of unknown significance.

Literature cited by the submitters: PubMed 9041627; PubMed 1577777.